The following is an entry in ClinVar:

NM_021926.4(ALX4):c.89G>A (p.Gly30Asp)

Gene: ALX4 (ALX homeobox 4; minus strand). Cytogenetic location: 11p11.2.
Variant type: single nucleotide variant.
Coding change: c.89G>A on transcript NM_021926.4 (MANE Select); coding-DNA position 89, G replaced by A.
Protein change: p.Gly30Asp; replaces glycine 30 with aspartic acid.
Molecular consequence: missense variant.
Genome position (GRCh38, 1-based): chr11:44,309,974, C>T on the plus strand (G>A on the coding strand, the complement: ALX4 is on the minus strand). VCF-style: chr11-44309974-C-T. GRCh37 (hg19) VCF-style: chr11-44331524-C-T.
Other names: short protein forms G30D.
Identifiers: ClinVar variation 4090229 (VCV004090229.2).

ClinVar aggregate classification (germline): Uncertain significance. Review status: criteria provided, multiple submitters, no conflicts (2 of 4 stars). 2 submissions from 2 submitters: Uncertain significance (2). Last evaluated 2026-01-06.

Conditions:
Inborn genetic diseases. Identifiers: MedGen C0950123, MeSH D030342.

gnomAD v4.1: 15 of 1,597,908 alleles (0.00094%); highest among the groups gnomAD compares: Admixed American, 0.0069%; no homozygotes.

Submissions (2):

Labcorp Genetics (formerly Invitae), Labcorp
Classification: Uncertain significance. Last evaluated: 2026-01-06. Review status: criteria provided, single submitter. Criteria: Invitae Variant Classification Sherloc (09022015). Collection method: clinical testing. Allele origin: germline.
Comment: This sequence change replaces glycine, which is neutral and non-polar, with aspartic acid, which is acidic and polar, at codon 30 of the ALX4 protein (p.Gly30Asp). The frequency data for this variant in the population databases is considered unreliable, as metrics indicate poor data quality at this position in the gnomAD database. This variant has not been reported in the literature in individuals affected with ALX4-related conditions. ClinVar contains an entry for this variant (Variation ID: 4090229). An algorithm developed to predict the effect of missense changes on protein structure and function (PolyPhen-2) suggests that this variant is likely to be tolerated. In summary, the available evidence is currently insufficient to determine the role of this variant in disease. Therefore, it has been classified as a Variant of Uncertain Significance.

Ambry Genetics
Classification: Uncertain significance for Inborn genetic diseases. Last evaluated: 2025-08-13. Review status: criteria provided, single submitter. Criteria: Ambry Variant Classification Scheme 2023. Collection method: clinical testing. Allele origin: germline.